The following is an entry in ClinVar:

NM_000540.3(RYR1):c.10928A>G (p.Asn3643Ser)

Gene: RYR1 (ryanodine receptor 1; plus strand). Cytogenetic location: 19q13.2.
Variant type: single nucleotide variant.
Coding change: c.10928A>G on transcript NM_000540.3 (MANE Select); coding-DNA position 10928, A replaced by G.
Protein change: p.Asn3643Ser; replaces asparagine 3643 with serine.
Molecular consequence: missense variant.
Genome position (GRCh38, 1-based): chr19:38,528,409, A>G. VCF-style: chr19-38528409-A-G. GRCh37 (hg19) VCF-style: chr19-39019049-A-G.
Other names: c.10913A>G, p.Asn3638Ser (NM_001042723.2); short protein forms N3638S, N3643S.
Identifiers: ClinVar variation 3385542 (VCV003385542.2).
Genomic context (GRCh38, chr19:38,528,409, plus strand): 5'-TTTTGTCCAAACAGCGCCGGCGGGCAGTCGTGGCCTGTTTCCGTATGACGCCCCTGTACA[A>G]CCTGCCCACGTAAGGCCCCCAGGGACAAGGGAAGCGTGAAGGGCTGCGGAGAAAGGGTGG-3'
Protein context (NP_000531.2, residues 3633-3653): VACFRMTPLY[Asn3643Ser]LPTHRACNMF

ClinVar aggregate classification (germline): Uncertain significance. Review status: criteria provided, multiple submitters, no conflicts (2 of 4 stars). 2 submissions from 2 submitters: Uncertain significance (2). Last evaluated 2024-11-26.

Conditions:
Malignant hyperthermia, susceptibility to, 1 (MHS1). Also called: Anesthesia related hyperthermia; Malignant hyperpyrexia; Fulminating hyperpyrexia; Pharmacogenic myopathy; Malignant hyperthermia suceptibility 1; RYR1-Related Malignant Hyperthermia Susceptibility. Identifiers: Orphanet 423, MedGen C2930980, MONDO:0007783, OMIM 145600.

gnomAD v4.1: 2 of 1,614,026 alleles (0.00012%); highest among the groups gnomAD compares: Admixed American, 0.0033%; no homozygotes.

Submissions (2):

GeneDx
Classification: Uncertain significance. Last evaluated: 2024-11-26. Review status: criteria provided, single submitter. Criteria: GeneDx Variant Classification Process June 2021. Collection method: clinical testing. Allele origin: germline. Affected: yes.
Comment: Not observed at significant frequency in large population cohorts (gnomAD); In silico analysis supports that this missense variant has a deleterious effect on protein structure/function; Has not been previously published as pathogenic or benign to our knowledge

All of Us Research Program, National Institutes of Health
Classification: Uncertain significance for Malignant hyperthermia, susceptibility to, 1. Last evaluated: 2024-09-23. Review status: criteria provided, single submitter. Criteria: ACMG Guidelines, 2015. Collection method: clinical testing. Allele origin: germline. Inheritance: Autosomal dominant inheritance. Observed: 1 variant allele, 1 heterozygote.
Comment: This study involves interpretation of variants in research participants for the purpose of population health screening. Participant phenotype was not available at the time of variant classification. Additional details can be found in publication PMID: 35346344, PMCID: PMC8962531